The following is an entry in ClinVar:

NM_033056.4(PCDH15):c.5404A>G (p.Thr1802Ala)

Gene: PCDH15 (protocadherin related 15; minus strand). Cytogenetic location: 10q21.1.
Variant type: single nucleotide variant.
Coding change: c.5404A>G on transcript NM_033056.4 (MANE Plus Clinical); coding-DNA position 5404, A replaced by G.
Protein change: p.Thr1802Ala; replaces threonine 1802 with alanine.
Molecular consequence: missense variant. On other transcripts: intron variant (8).
Genome position (GRCh38, 1-based): chr10:53,822,322, T>C on the plus strand (A>G on the coding strand, the complement: PCDH15 is on the minus strand). VCF-style: chr10-53822322-T-C. GRCh37 (hg19) VCF-style: chr10-55582082-T-C.
Other names: c.5425A>G, p.Thr1809Ala (NM_001142763.2); c.5410A>G, p.Thr1804Ala (NM_001142764.2); c.5197A>G, p.Thr1733Ala (NM_001142765.2); c.5395A>G, p.Thr1799Ala (NM_001142766.2); c.5284A>G, p.Thr1762Ala (NM_001142767.2); c.5344A>G, p.Thr1782Ala (NM_001142768.2); c.5335A>G, p.Thr1779Ala (NM_001142773.2); c.5338A>G, p.Thr1780Ala (NM_001354404.2); and 7 more; short protein forms T1779A, T1799A, T1802A, T1804A, T1809A, T1762A, T1733A, T1780A.
Identifiers: ClinVar variation 969826 (VCV000969826.9), dbSNP rs150069992, ClinGen allele CA5505049.

ClinVar aggregate classification (germline): Conflicting classifications of pathogenicity. Review status: criteria provided, conflicting classifications (1 of 4 stars). 5 submissions from 5 submitters: Uncertain significance (3); Likely benign (1). 1 of the submissions does not count toward it. Last evaluated 2025-09-06.

Conditions:
Usher syndrome type 1D (USH1D). Also called: USHER SYNDROME, TYPE ID. Identifiers: Orphanet 231169, Orphanet 886, MedGen C1832845, MONDO:0010984, OMIM 601067.
Usher syndrome type 1F (USH1F). Also called: USHER SYNDROME, TYPE IF. Identifiers: Orphanet 231169, Orphanet 886, MedGen C1865885, MONDO:0011186, OMIM 602083.
Autosomal recessive nonsyndromic hearing loss 23. Identifiers: Orphanet 90636, MedGen C1836027, MONDO:0012293, OMIM 609533.
Inborn genetic diseases. Identifiers: MedGen C0950123, MeSH D030342.

Allele frequency attached by ClinVar (database versions not stated): gnomAD 0.00024 and 0.00023; ESP Exome Variant Server 0.00038; 1000 Genomes Project 30x 0.00016; 1000 Genomes Project 0.00020; gnomAD exomes 0.00003 and 0.00005; ExAC 0.00010; TOPMed 0.00015.
gnomAD v4.1: 75 of 1,602,456 alleles (0.0047%); highest among the groups gnomAD compares: African/African-American, 0.065%; no homozygotes.

Submissions (5):

Labcorp Genetics (formerly Invitae), Labcorp
Classification: Likely benign. Last evaluated: 2025-09-06. Review status: criteria provided, single submitter. Criteria: Invitae Variant Classification Sherloc (09022015). Collection method: clinical testing. Allele origin: germline.

Ambry Genetics
Classification: Uncertain significance for Inborn genetic diseases. Last evaluated: 2024-05-08. Review status: criteria provided, single submitter. Criteria: Ambry Variant Classification Scheme 2023. Collection method: clinical testing. Allele origin: germline.

GeneDx
Classification: Uncertain significance. Last evaluated: 2021-10-05. Review status: criteria provided, single submitter. Criteria: GeneDx Variant Classification Process June 2021. Collection method: clinical testing. Allele origin: germline. Affected: yes.
Comment: Has not been previously published as pathogenic or benign to our knowledge; In silico analysis supports that this missense variant does not alter protein structure/function; In silico analysis, which includes splice predictors and evolutionary conservation, suggests this variant may impact gene splicing. In the absence of RNA/functional studies, the actual effect of this sequence change is unknown.

Fulgent Genetics
Classification: Uncertain significance for Usher syndrome type 1D; Usher syndrome type 1F; Autosomal recessive nonsyndromic hearing loss 23. Last evaluated: 2021-09-03. Review status: criteria provided, single submitter. Criteria: ACMG Guidelines, 2015. Collection method: clinical testing. Allele origin: unknown.

Natera, Inc.
Classification: Uncertain significance for Usher syndrome type 1F. Last evaluated: 2020-01-24. Review status: no assertion criteria provided. Collection method: clinical testing. Allele origin: germline. Not counted in ClinVar's aggregate classification.